The following is an entry in ClinVar:

ClinVar aggregate classification (germline): Uncertain significance (1 of 4 stars; one submission).

Conditions:
Marfan syndrome (MFS). Also called: MARFAN SYNDROME, TYPE I; Marfan syndrome type 1; Marfan's syndrome; Marfan syndrome, classic; FBN1-Related Marfan Syndrome. Identifiers: Orphanet 284963, Orphanet 558, MedGen C0024796, MONDO:0007947, OMIM 154700.

Allele frequency attached by ClinVar (database versions not stated): TOPMed below 0.00001.

Submission:

All of Us Research Program, National Institutes of Health
Classification: Uncertain significance for Marfan syndrome. Last evaluated: 2023-02-24. Review status: criteria provided, single submitter. Criteria: ACMG Guidelines, 2015. Collection method: clinical testing. Allele origin: germline. Inheritance: Autosomal dominant inheritance. Observed: 1 variant allele, 1 heterozygote.
Comment: This missense variant replaces asparagine with serine at codon 1730 of the FBN1 protein. Computational prediction is inconclusive regarding the impact of this variant on protein structure and function (internally defined REVEL score threshold 0.5 < inconclusive < 0.7, PMID: 27666373). To our knowledge, functional studies have not been reported for this variant. This variant has not been reported in individuals affected with FBN1-related disorders in the literature. This variant has not been identified in the general population by the Genome Aggregation Database (gnomAD). The available evidence is insufficient to determine the role of this variant in disease conclusively. Therefore, this variant is classified as a Variant of Uncertain Significance.

This study involves interpretation of variants in research participants for the purpose of population health screening. Participant phenotype was not available at the time of variant classification. Additional details can be found in publication PMID: 35346344, PMCID: PMC8962531

NM_000138.5(FBN1):c.5189A>G (p.Asn1730Ser)

Gene: FBN1 (fibrillin 1; minus strand). Cytogenetic location: 15q21.1.
Variant type: single nucleotide variant.
Coding change: c.5189A>G on transcript NM_000138.5 (MANE Select); coding-DNA position 5189, A replaced by G.
Protein change: p.Asn1730Ser; replaces asparagine 1730 with serine.
Molecular consequence: missense variant.
Genome position (GRCh38, 1-based): chr15:48,463,117, T>C on the plus strand (A>G on the coding strand, the complement: FBN1 is on the minus strand). VCF-style: chr15-48463117-T-C. GRCh37 (hg19) VCF-style: chr15-48755314-T-C.
Other names: c.5189A>G, p.Asn1730Ser (NM_001406716.1); short protein forms N1730S.
Identifiers: ClinVar variation 3069693 (VCV003069693.1), dbSNP rs751256880, ClinGen allele CA392349106.
Genomic context (GRCh38, chr15:48,463,117, plus strand): 5'-TGATAATGGAGAAACTAAAACTCACCTGTACTTGGGATGGGACACTGTTCACAGGGCTTG[T>C]TCCACGCCCGGCCAATGTTGTAGGAACAGCAGCACATCTTCTTGGTCATGTTGAATAACA-3'
Protein context (NP_000129.3, residues 1720-1740): CCSYNIGRAW[Asn1730Ser]KPCEQCPIPS